The following is an entry in ClinVar:

NM_139343.3(BIN1):c.1003-16C>T

Gene: BIN1 (bridging integrator 1; minus strand). Cytogenetic location: 2q14.3.
Variant type: single nucleotide variant.
Coding change: c.1003-16C>T on transcript NM_139343.3 (MANE Select); 16 bases into the intron before coding-DNA position 1003, C replaced by T.
Molecular consequence: intron variant.
Genome position (GRCh38, 1-based): chr2:127,057,617, G>A on the plus strand (C>T on the coding strand, the complement: BIN1 is on the minus strand). VCF-style: chr2-127057617-G-A. GRCh37 (hg19) VCF-style: chr2-127815193-G-A.
Other names: c.922-16C>T (NM_001320642.1); c.837+1394C>T (NM_001320634.1); c.909+1394C>T (NM_139351.3, NM_139350.3, NM_139349.3); c.910-16C>T (NM_139348.3, NM_139347.3, NM_001320641.2); c.954+1394C>T (NM_001320632.2, NM_004305.4); c.955-16C>T (NM_139346.3); c.1002+1394C>T (NM_001320633.2, NM_139345.3, NM_139344.3); c.1003-16C>T (NM_001320640.2).
Identifiers: ClinVar variation 291187 (VCV000291187.14), dbSNP rs547659375, ClinGen allele CA1857203.

ClinVar aggregate classification (germline): Benign/Likely benign. Review status: criteria provided, multiple submitters, no conflicts (2 of 4 stars). 5 submissions from 5 submitters: Benign (2); Likely benign (3). Last evaluated 2026-02-01.

Conditions:
Myopathy, centronuclear, 2 (CNM2). Also called: MYOTUBULAR MYOPATHY, AUTOSOMAL RECESSIVE. Identifiers: Orphanet 169186, MedGen CN031787, MONDO:0009709, OMIM 255200.

Allele frequency attached by ClinVar (database versions not stated): gnomAD 0.00003 and 0.00054; TOPMed 0.00010; gnomAD exomes 0.00180; 1000 Genomes Project 30x 0.00297; 1000 Genomes Project 0.00319; ExAC 0.00475.
gnomAD v4.1: 1,150 of 1,511,876 alleles (0.076%); highest among the groups gnomAD compares: South Asian, 1.3%; 14 homozygotes.

Submissions (5):

Labcorp Genetics (formerly Invitae), Labcorp
Classification: Benign for Myopathy, centronuclear, 2. Last evaluated: 2026-02-01. Review status: criteria provided, single submitter. Criteria: Invitae Variant Classification Sherloc (09022015). Collection method: clinical testing. Allele origin: germline.

Blueprint Genetics
Classification: Likely benign. Last evaluated: 2024-11-25. Review status: criteria provided, single submitter. Criteria: ACMG Guidelines, 2015. Collection method: clinical testing. Allele origin: germline.

GeneDx
Classification: Likely benign. Last evaluated: 2016-09-23. Review status: criteria provided, single submitter. Criteria: GeneDx Variant Classification (06012015). Collection method: clinical testing. Allele origin: germline. Affected: yes.
Comment: This variant is considered likely benign or benign based on one or more of the following criteria: it is a conservative change, it occurs at a poorly conserved position in the protein, it is predicted to be benign by multiple in silico algorithms, and/or has population frequency not consistent with disease.

Eurofins Ntd Llc (ga)
Classification: Benign. Last evaluated: 2016-09-12. Review status: criteria provided, single submitter. Criteria: EGL Classification Definitions 2015. Collection method: clinical testing. Allele origin: germline. Observed: 1 variant allele, 1 heterozygote.

Breakthrough Genomics
Classification: Likely benign. Review status: criteria provided, single submitter. Criteria: ACMG Guidelines, 2015. Collection method: not provided. Allele origin: germline. Inheritance: Autosomal recessive inheritance. Affected: yes.